The following is an entry in ClinVar:

NM_001127511.3(APC):c.123G>A (p.Pro41=)

Gene: APC (APC regulator of Wnt signaling pathway; plus strand). Cytogenetic location: 5q22.2.
Variant type: single nucleotide variant.
Coding change: c.123G>A on transcript NM_001127511.3; coding-DNA position 123, G replaced by A.
Protein change: p.Pro41=; no amino-acid change (proline 41 retained).
Molecular consequence: synonymous variant. On other transcripts: 5 prime UTR variant (8), non-coding transcript variant (1), intron variant (5).
Genome position (GRCh38, 1-based): chr5:112,707,840, G>A. VCF-style: chr5-112707840-G-A. GRCh37 (hg19) VCF-style: chr5-112043537-G-A.
Other names: c.-61G>A (NM_001354895.2, NM_001407447.1, NM_001407452.1 and 3 more transcripts); c.123G>A, p.Pro41= (NM_001354897.2, NM_001354902.2, NM_001407446.1); c.-1096G>A (NM_001407470.1, NM_001407472.1); c.-19+191G>A (NM_001407448.1, NM_001407450.1, NM_001407457.1 and 1 more transcripts); c.-43+191G>A (NM_001407453.1).
Identifiers: ClinVar variation 537660 (VCV000537660.11), dbSNP rs1189155420, ClinGen allele CA650199593.
Genomic context (GRCh38, chr5:112,707,840, plus strand): 5'-TCTCGGGTCCTGGAGCACCGGCGGCAGCAGGAGCTGCGTCCGGCAGGAGACGAAGAGCCC[G>A]GGCGGCGCTCGTACTTCTGGCCACTGGGCGAGCGTCTGGCAGGTGAGTGAGGCTGCAGGC-3'

ClinVar aggregate classification (germline): Conflicting classifications of pathogenicity. Review status: criteria provided, conflicting classifications (1 of 4 stars). 2 submissions from 2 submitters: Uncertain significance (1); Likely benign (1). Last evaluated 2025-12-26.

Conditions:
Familial adenomatous polyposis 1 (FAP1). Also called: FAMILIAL ADENOMATOUS POLYPOSIS 1, ATTENUATED; POLYPOSIS, ADENOMATOUS INTESTINAL. Identifiers: MedGen C2713442, MONDO:0021056, OMIM 175100. Disease mechanism: loss of function.

Allele frequency attached by ClinVar (database versions not stated): 1000 Genomes Project 30x 0.00016.
gnomAD v4.1: 10 of 1,370,482 alleles (0.00073%); highest among the groups gnomAD compares: African/African-American, 0.0086%; no homozygotes.

Submissions (2):

Labcorp Genetics (formerly Invitae), Labcorp
Classification: Uncertain significance for Familial adenomatous polyposis 1. Last evaluated: 2025-12-26. Review status: criteria provided, single submitter. Criteria: Invitae Variant Classification Sherloc (09022015). Collection method: clinical testing. Allele origin: germline.
Comment: This variant occurs in a non-coding region of the APC gene. It does not change the encoded amino acid sequence of the APC protein. This variant is not present in population databases (gnomAD no frequency). This variant has not been reported in the literature in individuals affected with APC-related conditions. ClinVar contains an entry for this variant (Variation ID: 537660). Experimental studies and prediction algorithms are not available or were not evaluated, and the functional significance of this variant is currently unknown. In summary, the available evidence is currently insufficient to determine the role of this variant in disease. Therefore, it has been classified as a Variant of Uncertain Significance.

Center for Genomic Medicine, Rigshospitalet, Copenhagen University Hospital
Classification: Likely benign. Last evaluated: 2025-03-04. Review status: criteria provided, single submitter. Criteria: ACMG Guidelines, 2015. Collection method: clinical testing. Allele origin: germline.